The following is an entry in ClinVar:

NM_000143.4(FH):c.524del (p.Val175fs)

Gene: FH (fumarate hydratase; minus strand). Cytogenetic location: 1q43.
Variant type: Deletion.
Coding change: c.524del on transcript NM_000143.4 (MANE Select); coding-DNA position 524, one base deleted (T; older notation c.524delT).
Protein change: p.Val175fs; shifts the reading frame from valine 175.
Molecular consequence: frameshift variant.
Genome position (GRCh38, 1-based): chr1:241,511,998, A deleted on the plus strand (T on the coding strand, the reverse complement: FH is on the minus strand). VCF-style (leftmost placement, unchanged base first): chr1-241511997-CA-C. GRCh37 (hg19) VCF-style: chr1-241675297-CA-C.
Other names: c.524delT (NM_000143.3); short protein forms V175fs.
Identifiers: ClinVar variation 393564 (VCV000393564.1), dbSNP rs1060499634, ClinGen allele CA16609373.

ClinVar aggregate classification (germline): Pathogenic (1 of 4 stars; one submission).

Conditions:
Hereditary leiomyomatosis and renal cell cancer. Also called: LEIOMYOMA, MULTIPLE CUTANEOUS; MULTIPLE CUTANEOUS AND UTERINE LEIOMYOMATA 1, WITH OR WITHOUT RENAL CELL CARCINOMA; Reed syndrome; Multiple cutaneous and uterine leiomyomatosis; Cutaneous leiomyomata with uterine leiomyomata; Leiomyoma, hereditary multiple, of skin. Identifiers: Orphanet 523, MedGen C1708350, MONDO:0007888, OMIM 150800, HP:0007437. Disease mechanism: loss of function.

Submission:

Genomic Diagnostic Laboratory, Division of Genomic Diagnostics, Children's Hospital of Philadelphia
Classification: Pathogenic for Hereditary leiomyomatosis and renal cell cancer. Last evaluated: 2017-01-17. Review status: criteria provided, single submitter. Criteria: DGD Variant Analysis Guidelines. Collection method: clinical testing. Allele origin: germline. Affected: yes. Observed: 1 variant allele.
Comment: Clinical Testing